The following is an entry in ClinVar:

ClinVar aggregate classification (germline): Uncertain significance (1 of 4 stars; one submission).

Conditions:
Inborn genetic diseases. Identifiers: MedGen C0950123, MeSH D030342.

gnomAD v4.1: 1 of 1,614,216 alleles (0.000062%); highest among the groups gnomAD compares: African/African-American, 0.0013%; no homozygotes.

Submission:

Ambry Genetics
Classification: Uncertain significance for Inborn genetic diseases. Last evaluated: 2024-12-15. Review status: criteria provided, single submitter. Criteria: Ambry Variant Classification Scheme 2023. Collection method: clinical testing. Allele origin: germline.
Comment: The p.T92I variant (also known as c.275C>T), located in coding exon 3 of the PAX5 gene, results from a C to T substitution at nucleotide position 275. The threonine at codon 92 is replaced by isoleucine, an amino acid with similar properties. This amino acid position is conserved. In addition, this alteration is predicted to be deleterious by in silico analysis. Based on the available evidence, the clinical significance of this variant remains unclear.

NM_016734.3(PAX5):c.275C>T (p.Thr92Ile)

Gene: PAX5 (paired box 5; minus strand). Cytogenetic location: 9p13.2.
Variant type: single nucleotide variant.
Coding change: c.275C>T on transcript NM_016734.3 (MANE Select); coding-DNA position 275, C replaced by T.
Protein change: p.Thr92Ile; replaces threonine 92 with isoleucine.
Molecular consequence: missense variant. On other transcripts: 5 prime UTR variant (2), non-coding transcript variant (2), intron variant (1).
Genome position (GRCh38, 1-based): chr9:37,015,132, G>A on the plus strand (C>T on the coding strand, the complement: PAX5 is on the minus strand). VCF-style: chr9-37015132-G-A. GRCh37 (hg19) VCF-style: chr9-37015129-G-A.
Other names: c.275C>T, p.Thr92Ile (NM_001280547.2, NM_001280548.2, NM_001280549.2 and 4 more transcripts); c.-50C>T (NM_001280551.2, NM_001280556.2); c.212+5504C>T (NM_001280555.2); short protein forms T92I.
Identifiers: ClinVar variation 3885889 (VCV003885889.1).
Genomic context (GRCh38, chr9:37,015,132, plus strand): 5'-CAGGCAAACATGGTGGGATTTTGGCGTTTATATTCAGCGATTTTTTCCACCACTTTGGGT[G>A]TGGCGACCTTTGGTTTGGATCCTCCAATTACCCCAGGCTTGATGCTTCCTGTCTCATAAT-3'
Protein context (NP_057953.1, residues 82-102): VIGGSKPKVA[Thr92Ile]PKVVEKIAEY